The following is an entry in ClinVar:

ClinVar aggregate classification (germline): Uncertain significance (1 of 4 stars; one submission).

Conditions:
Inborn genetic diseases. Identifiers: MedGen C0950123, MeSH D030342.

Submission:

Ambry Genetics
Classification: Uncertain significance for Inborn genetic diseases. Last evaluated: 2023-02-05. Review status: criteria provided, single submitter. Criteria: Ambry Variant Classification Scheme 2023. Collection method: clinical testing. Allele origin: germline.
Comment: The p.H530Y variant (also known as c.1588C>T), located in coding exon 12 of the ACD gene, results from a C to T substitution at nucleotide position 1588. The histidine at codon 530 is replaced by tyrosine, an amino acid with similar properties. This amino acid position is conserved. In addition, this alteration is predicted to be tolerated by in silico analysis. Since supporting evidence is limited at this time, the clinical significance of this alteration remains unclear.

NM_001082486.2(ACD):c.1330C>T (p.His444Tyr)

Gene: ACD (ACD shelterin complex subunit and telomerase recruitment factor; minus strand). Cytogenetic location: 16q22.1.
Variant type: single nucleotide variant.
Coding change: c.1330C>T on transcript NM_001082486.2 (MANE Select); coding-DNA position 1330, C replaced by T.
Protein change: p.His444Tyr; replaces histidine 444 with tyrosine.
Molecular consequence: missense variant.
Genome position (GRCh38, 1-based): chr16:67,657,653, G>A on the plus strand (C>T on the coding strand, the complement: ACD is on the minus strand). VCF-style: chr16-67657653-G-A. GRCh37 (hg19) VCF-style: chr16-67691556-G-A.
Other names: c.1243C>T, p.His415Tyr (NM_001410884.1); c.1321C>T, p.His441Tyr (NM_022914.3); short protein forms H444Y, H441Y, H415Y.
Identifiers: ClinVar variation 2452451 (VCV002452451.2), dbSNP rs2543595803, ClinGen allele CA396349649.